The following is an entry in ClinVar:

NM_145868.2(ANXA11):c.1157G>A (p.Arg386Gln)

Gene: ANXA11 (annexin A11; minus strand). Cytogenetic location: 10q22.3.
Variant type: single nucleotide variant.
Coding change: c.1157G>A on transcript NM_145868.2 (MANE Select); coding-DNA position 1157, G replaced by A.
Protein change: p.Arg386Gln; replaces arginine 386 with glutamine.
Molecular consequence: missense variant.
Genome position (GRCh38, 1-based): chr10:80,161,958, C>T on the plus strand (G>A on the coding strand, the complement: ANXA11 is on the minus strand). VCF-style: chr10-80161958-C-T. GRCh37 (hg19) VCF-style: chr10-81921714-C-T.
Other names: c.1157G>A, p.Arg386Gln (NM_001157.3, NM_001278407.2, NM_001278408.2 and 1 more transcripts); c.1058G>A, p.Arg353Gln (NM_001278409.2); short protein forms R353Q, R386Q.
Identifiers: ClinVar variation 4774763 (VCV004774763.1).

ClinVar aggregate classification (germline): Uncertain significance (1 of 4 stars; one submission).

gnomAD v4.1: 20 of 1,612,090 alleles (0.0012%); highest among the groups gnomAD compares: Middle Eastern, 0.017%; 1 homozygote.

Submission:

Labcorp Genetics (formerly Invitae), Labcorp
Classification: Uncertain significance. Last evaluated: 2025-02-13. Review status: criteria provided, single submitter. Criteria: Invitae Variant Classification Sherloc (09022015). Collection method: clinical testing. Allele origin: germline.
Comment: This sequence change replaces arginine, which is basic and polar, with glutamine, which is neutral and polar, at codon 386 of the ANXA11 protein (p.Arg386Gln). The frequency data for this variant in the population databases is considered unreliable, as metrics indicate poor data quality at this position in the gnomAD database. This variant has not been reported in the literature in individuals affected with ANXA11-related conditions. An algorithm developed to predict the effect of missense changes on protein structure and function (PolyPhen-2) suggests that this variant is likely to be disruptive. In summary, the available evidence is currently insufficient to determine the role of this variant in disease. Therefore, it has been classified as a Variant of Uncertain Significance.